The following is an entry in ClinVar:

NM_002778.4(PSAP):c.1075G>A (p.Glu359Lys)

Gene: PSAP (prosaposin; minus strand). Cytogenetic location: 10q22.1.
Variant type: single nucleotide variant.
Coding change: c.1075G>A on transcript NM_002778.4 (MANE Select); coding-DNA position 1075, G replaced by A.
Protein change: p.Glu359Lys; replaces glutamic acid 359 with lysine.
Molecular consequence: missense variant.
Genome position (GRCh38, 1-based): chr10:71,819,831, C>T on the plus strand (G>A on the coding strand, the complement: PSAP is on the minus strand). VCF-style: chr10-71819831-C-T. GRCh37 (hg19) VCF-style: chr10-73579588-C-T.
Other names: c.1075G>A (NM_002778.3); c.1084G>A, p.Glu362Lys (NM_001042465.3); c.1081G>A, p.Glu361Lys (NM_001042466.3); short protein forms E359K, E361K, E362K.
Identifiers: ClinVar variation 3627496 (VCV003627496.2).

ClinVar aggregate classification (germline): Uncertain significance. Review status: criteria provided, single submitter (1 of 4 stars). 2 submissions from 2 submitters: Uncertain significance (1). 1 of the submissions does not count toward it. Last evaluated 2024-03-25.

Conditions:
Sphingolipid activator protein 1 deficiency. Also called: Saposin B Deficiency; METACHROMATIC LEUKODYSTROPHY DUE TO CEREBROSIDE SULFATASE ACTIVATOR DEFICIENCY; Metachromatic leukodystrophy due to saposin B deficiency. Identifiers: Orphanet 512, MedGen C0268262, MONDO:0009590, OMIM 249900.
Metachromatic leukodystrophy (MLD). Also called: Cerebral sclerosis diffuse metachromatic form; Arylsulfatase A Deficiency; CEREBROSIDE SULFATASE DEFICIENCY; ARSA DEFICIENCY; METACHROMATIC LEUKOENCEPHALOPATHY; SULFATIDE LIPIDOSIS. Identifiers: Orphanet 512, MedGen C0023522, MONDO:0018868, OMIM 250100.

Submissions (2):

Labcorp Genetics (formerly Invitae), Labcorp
Classification: Uncertain significance for Sphingolipid activator protein 1 deficiency. Last evaluated: 2024-03-25. Review status: criteria provided, single submitter. Criteria: Invitae Variant Classification Sherloc (09022015). Collection method: clinical testing. Allele origin: germline.
Comment: This sequence change replaces glutamic acid, which is acidic and polar, with lysine, which is basic and polar, at codon 359 of the PSAP protein (p.Glu359Lys). This variant is not present in population databases (gnomAD no frequency). This variant has not been reported in the literature in individuals affected with PSAP-related conditions. Advanced modeling of protein sequence and biophysical properties (such as structural, functional, and spatial information, amino acid conservation, physicochemical variation, residue mobility, and thermodynamic stability) performed at Invitae indicates that this missense variant is not expected to disrupt PSAP protein function with a negative predictive value of 80%. This variant disrupts the p.Glu359 amino acid residue in PSAP. Other variant(s) that disrupt this residue have been determined to be pathogenic (PMID: 35456468). This suggests that this residue is clinically significant, and that variants that disrupt this residue are likely to be disease-causing. In summary, the available evidence is currently insufficient to determine the role of this variant in disease. Therefore, it has been classified as a Variant of Uncertain Significance.

Natera, Inc.
Classification: Uncertain significance for Metachromatic leukodystrophy. Last evaluated: 2025-01-09. Review status: no assertion criteria provided. Collection method: clinical testing. Allele origin: germline. Not counted in ClinVar's aggregate classification.

Literature cited by the submitters: PubMed 35456468 (cited by Labcorp Genetics (formerly Invitae), Labcorp).